The following is an entry in ClinVar:

ClinVar aggregate classification (germline): Uncertain significance (1 of 4 stars; one submission).

Conditions:
Developmental and epileptic encephalopathy, 9 (DEE9). Also called: EPILEPSY, FEMALE-RESTRICTED, WITH MENTAL RETARDATION; PCDH19-Related X-Linked Female-Limited Epilepsy with Mental Retardation; Early infantile epileptic encephalopathy 9; JUBERG-HELLMAN SYNDROME. Identifiers: Orphanet 101039, Orphanet 2076, MedGen C1848137, MONDO:0010246, OMIM 300088. Disease mechanism: loss of function.

Allele frequency attached by ClinVar (database versions not stated): ExAC 0.00001; gnomAD 0.00001; TOPMed 0.00001.
gnomAD v4.1: 25 of 1,209,331 alleles (0.0021%); highest among the groups gnomAD compares: Non-Finnish European, 0.0028%; no homozygotes.

Submission:

Labcorp Genetics (formerly Invitae), Labcorp
Classification: Uncertain significance for Developmental and epileptic encephalopathy, 9. Last evaluated: 2025-10-13. Review status: criteria provided, single submitter. Criteria: Invitae Variant Classification Sherloc (09022015). Collection method: clinical testing. Allele origin: germline.
Comment: This sequence change replaces serine, which is neutral and polar, with isoleucine, which is neutral and non-polar, at codon 938 of the PCDH19 protein (p.Ser938Ile). This variant is present in population databases (rs772106217, gnomAD 0.001%). This variant has not been reported in the literature in individuals affected with PCDH19-related conditions. ClinVar contains an entry for this variant (Variation ID: 653689). Invitae Evidence Modeling of protein sequence and biophysical properties (such as structural, functional, and spatial information, amino acid conservation, physicochemical variation, residue mobility, and thermodynamic stability) indicates that this missense variant is not expected to disrupt PCDH19 protein function with a negative predictive value of 95%. In summary, the available evidence is currently insufficient to determine the role of this variant in disease. Therefore, it has been classified as a Variant of Uncertain Significance.

NM_001184880.2(PCDH19):c.2813G>T (p.Ser938Ile)

Gene: PCDH19 (protocadherin 19; minus strand). Cytogenetic location: Xq22.1.
Variant type: single nucleotide variant.
Coding change: c.2813G>T on transcript NM_001184880.2 (MANE Select); coding-DNA position 2813, G replaced by T.
Protein change: p.Ser938Ile; replaces serine 938 with isoleucine.
Molecular consequence: missense variant.
Genome position (GRCh38, 1-based): chrX:100,341,938, C>A on the plus strand (G>T on the coding strand, the complement: PCDH19 is on the minus strand). VCF-style: chrX-100341938-C-A. GRCh37 (hg19) VCF-style: chrX-99596936-C-A.
Other names: c.2672G>T, p.Ser891Ile (NM_001105243.2); c.2669G>T, p.Ser890Ile (NM_020766.3); short protein forms S891I, S938I, S890I.
Identifiers: ClinVar variation 653689 (VCV000653689.9), dbSNP rs772106217, ClinGen allele CA10468706.